The following is an entry in ClinVar:

NM_001130144.3(LTBP3):c.2313C>T (p.Ala771=)

Genes: LTBP3 (latent transforming growth factor beta binding protein 3; minus strand), LOC130006029 (ATAC-STARR-seq lymphoblastoid silent region 3532; plus strand). Cytogenetic location: 11q13.1.
Variant type: single nucleotide variant.
Coding change: c.2313C>T on transcript NM_001130144.3 (MANE Select); coding-DNA position 2313, C replaced by T.
Protein change: p.Ala771=; no amino-acid change (alanine 771 retained).
Molecular consequence: synonymous variant.
Genome position (GRCh38, 1-based): chr11:65,546,482, G>A on the plus strand (C>T on the coding strand, the complement: LTBP3 is on the minus strand). VCF-style: chr11-65546482-G-A. GRCh37 (hg19) VCF-style: chr11-65313953-G-A.
Other names: c.1962C>T, p.Ala654= (NM_001164266.1); c.2313C>T, p.Ala771= (NM_021070.4).
Identifiers: ClinVar variation 3029638 (VCV003029638.2), dbSNP rs779131899, ClinGen allele CA6100657.
Genomic context (GRCh38, chr11:65,546,482, plus strand): 5'-GCGGGGGTGCTGGCGCTCACCCAAGCAACTGCGGCCGTCGGGCGCGGGCGCGTAGCCCTG[G>A]GCACAGGTGCAGCGGAAGGAGCCCGGGAGGTTCTCGCACCAGCCAGGCGAGCAGGGGCTG-3'
Protein context (NP_001123616.1, residues 761-781): NLPGSFRCTC[Ala771=]QGYAPAPDGR

ClinVar aggregate classification (germline): Likely benign (0 of 4 stars; one submission).

Conditions:
LTBP3-related disorder. Also called: LTBP3-related condition.

Allele frequency attached by ClinVar (database versions not stated): gnomAD exomes 0.00001; ExAC 0.00005.

Submission:

PreventionGenetics, part of Exact Sciences
Classification: Likely benign for LTBP3-related condition. Last evaluated: 2022-01-17. Review status: no assertion criteria provided. Collection method: clinical testing. Allele origin: germline.
Comment: This variant is classified as likely benign based on ACMG/AMP sequence variant interpretation guidelines (Richards et al. 2015 PMID: 25741868, with internal and published modifications).